The following is an entry in ClinVar:

ClinVar aggregate classification (germline): Uncertain significance (1 of 4 stars; one submission).

gnomAD v4.1: 1 of 1,613,518 alleles (0.000062%); highest among the groups gnomAD compares: Admixed American, 0.0017%; no homozygotes.

Submission:

Labcorp Genetics (formerly Invitae), Labcorp
Classification: Uncertain significance. Last evaluated: 2025-04-11. Review status: criteria provided, single submitter. Criteria: Invitae Variant Classification Sherloc (09022015). Collection method: clinical testing. Allele origin: germline.
Comment: This sequence change replaces serine, which is neutral and polar, with arginine, which is basic and polar, at codon 318 of the TNNI3K protein (p.Ser318Arg). This variant is not present in population databases (gnomAD no frequency). This variant has not been reported in the literature in individuals affected with TNNI3K-related conditions. Invitae Evidence Modeling of protein sequence and biophysical properties (such as structural, functional, and spatial information, amino acid conservation, physicochemical variation, residue mobility, and thermodynamic stability) indicates that this missense variant is not expected to disrupt TNNI3K protein function with a negative predictive value of 80%. In summary, the available evidence is currently insufficient to determine the role of this variant in disease. Therefore, it has been classified as a Variant of Uncertain Significance.

NM_015978.3(TNNI3K):c.954C>G (p.Ser318Arg)

Genes: FPGT-TNNI3K (FPGT-TNNI3K readthrough; plus strand), TNNI3K (TNNI3 interacting kinase; plus strand). Cytogenetic location: 1p31.1.
Variant type: single nucleotide variant.
Coding change: c.954C>G on transcript NM_015978.3 (MANE Select); coding-DNA position 954, C replaced by G.
Protein change: p.Ser318Arg; replaces serine 318 with arginine.
Molecular consequence: missense variant.
Genome position (GRCh38, 1-based): chr1:74,353,287, C>G. VCF-style: chr1-74353287-C-G. GRCh37 (hg19) VCF-style: chr1-74818971-C-G.
Other names: c.1257C>G, p.Ser419Arg (NM_001112808.3, NM_001199327.2); short protein forms S318R, S419R.
Identifiers: ClinVar variation 4740434 (VCV004740434.1).